The following is an entry in ClinVar:

NM_005548.3(KARS1):c.805C>G (p.Pro269Ala)

Gene: KARS1 (lysyl-tRNA synthetase 1; minus strand). Cytogenetic location: 16q23.1.
Variant type: single nucleotide variant.
Coding change: c.805C>G on transcript NM_005548.3 (MANE Select); coding-DNA position 805, C replaced by G.
Protein change: p.Pro269Ala; replaces proline 269 with alanine.
Molecular consequence: missense variant.
Genome position (GRCh38, 1-based): chr16:75,634,283, G>C on the plus strand (C>G on the coding strand, the complement: KARS1 is on the minus strand). VCF-style: chr16-75634283-G-C. GRCh37 (hg19) VCF-style: chr16-75668181-G-C.
Other names: c.889C>G, p.Pro297Ala (NM_001130089.2); c.337C>G, p.Pro113Ala (NM_001378148.1); short protein forms P113A, P269A, P297A.
Identifiers: ClinVar variation 2429472 (VCV002429472.1), dbSNP rs2507564839, ClinGen allele CA396812593.

ClinVar aggregate classification (germline): Uncertain significance (1 of 4 stars; one submission).

Conditions:
Leukoencephalopathy, progressive, infantile-onset, with or without deafness. Identifiers: MedGen C5542996, MONDO:0030893, OMIM 619147.

Submission:

Neuberg Centre For Genomic Medicine, NCGM
Classification: Uncertain significance for Leukoencephalopathy, progressive, infantile-onset, with or without deafness. Review status: criteria provided, single submitter. Criteria: ACMG Guidelines, 2015. Collection method: clinical testing. Allele origin: germline. Affected: yes.
Comment: The missense variant p.P269A in KARS1 (NM_005548.3) has not been reported previously as a pathogenic variant nor as a benign variant, to our knowledge. The p.P269A variant is novel (not in any individuals) in gnomAD Exomes and is novel (not in any individuals) in 1000 Genomes. There is a small physicochemical difference between proline and alanine, which is not likely to impact secondary protein structure as these residues share similar properties. The p.P269A missense variant is predicted to be damaging by both SIFT and PolyPhen2. The proline residue at codon 269 of KARS1 is conserved in all mammalian species. The nucleotide c.805 in KARS1 is predicted conserved by GERP++ and PhyloP across 100 vertebrates. For these reasons, this variant has been classified as Uncertain Significance.